The following is an entry in ClinVar:

NM_001369.3(DNAH5):c.7240A>T (p.Lys2414Ter)

Gene: DNAH5 (dynein axonemal heavy chain 5; minus strand). Cytogenetic location: 5p15.2.
Variant type: single nucleotide variant.
Coding change: c.7240A>T on transcript NM_001369.3 (MANE Select); coding-DNA position 7240, A replaced by T.
Protein change: p.Lys2414Ter; replaces lysine 2414 with a stop codon.
Molecular consequence: nonsense.
Genome position (GRCh38, 1-based): chr5:13,811,814, T>A on the plus strand (A>T on the coding strand, the complement: DNAH5 is on the minus strand). VCF-style: chr5-13811814-T-A. GRCh37 (hg19) VCF-style: chr5-13811923-T-A.
Other names: short protein forms K2414*.
Identifiers: ClinVar variation 1726697 (VCV001726697.2), dbSNP rs2546815071, ClinGen allele CA359189572.

ClinVar aggregate classification (germline): Likely pathogenic (1 of 4 stars; one submission).

Conditions:
Primary ciliary dyskinesia 3. Identifiers: Orphanet 244, MedGen C1837618, MONDO:0012085, OMIM 608644.

Submission:

Myriad Genetics, Inc.
Classification: Likely pathogenic for Primary ciliary dyskinesia 3. Last evaluated: 2021-12-30. Review status: criteria provided, single submitter. Criteria: Myriad Women's Health Autosomal Recessive and X-Linked Classification Criteria (2021). Collection method: clinical testing. Allele origin: unknown.
Comment: NM_001369.2(DNAH5):c.7240A>T(K2414*) is expected to be pathogenic in the context of DNAH5-related primary ciliary dyskinesia. This variant is predicted to lead to an abnormal or absent protein product due to the creation of a premature termination codon in DNAH5, a gene where loss-of-function variants are known to be pathogenic. Please note: this variant was assessed in the context of healthy population screening.